The following is an entry in ClinVar:

ClinVar aggregate classification (germline): Conflicting classifications of pathogenicity. Review status: criteria provided, conflicting classifications (1 of 4 stars). 2 submissions from 2 submitters: Uncertain significance (1); Likely benign (1). Last evaluated 2024-06-10.

Conditions:
Inborn genetic diseases. Identifiers: MedGen C0950123, MeSH D030342.

Allele frequency attached by ClinVar (database versions not stated): ExAC 0.00002; gnomAD 0.00003; gnomAD exomes 0.00003; TOPMed 0.00004.
gnomAD v4.1: 42 of 1,614,086 alleles (0.0026%); highest among the groups gnomAD compares: East Asian, 0.018%; no homozygotes.

Submissions (2):

Ambry Genetics
Classification: Likely benign for Inborn genetic diseases. Last evaluated: 2024-06-10. Review status: criteria provided, single submitter. Criteria: Ambry Variant Classification Scheme 2023. Collection method: clinical testing. Allele origin: germline.

Labcorp Genetics (formerly Invitae), Labcorp
Classification: Uncertain significance. Last evaluated: 2023-09-27. Review status: criteria provided, single submitter. Criteria: Invitae Variant Classification Sherloc (09022015). Collection method: clinical testing. Allele origin: germline.
Comment: This sequence change replaces valine, which is neutral and non-polar, with isoleucine, which is neutral and non-polar, at codon 119 of the NDUFS3 protein (p.Val119Ile). This variant is present in population databases (rs778409332, gnomAD 0.004%). This variant has not been reported in the literature in individuals affected with NDUFS3-related conditions. Advanced modeling of protein sequence and biophysical properties (such as structural, functional, and spatial information, amino acid conservation, physicochemical variation, residue mobility, and thermodynamic stability) performed at Invitae indicates that this missense variant is not expected to disrupt NDUFS3 protein function. In summary, the available evidence is currently insufficient to determine the role of this variant in disease. Therefore, it has been classified as a Variant of Uncertain Significance.

NM_004551.3(NDUFS3):c.355G>A (p.Val119Ile)

Gene: NDUFS3 (NADH:ubiquinone oxidoreductase core subunit S3; plus strand). Cytogenetic location: 11p11.2.
Variant type: single nucleotide variant.
Coding change: c.355G>A on transcript NM_004551.3 (MANE Select); coding-DNA position 355, G replaced by A.
Protein change: p.Val119Ile; replaces valine 119 with isoleucine.
Molecular consequence: missense variant.
Genome position (GRCh38, 1-based): chr11:47,580,958, G>A. VCF-style: chr11-47580958-G-A. GRCh37 (hg19) VCF-style: chr11-47602510-G-A.
Other names: c.355G>A (NM_004551.2); short protein forms V119I.
Identifiers: ClinVar variation 2716746 (VCV002716746.4), dbSNP rs778409332, ClinGen allele CA5977933.
Genomic context (GRCh38, chr11:47,580,958, plus strand): 5'-TTCCTCAGGGATCACACCAATGCACAGTTCAAATCTCTGGTTGACTTGACAGCAGTGGAC[G>A]TCCCAACTCGGCAAAACCGTTTTGAGGTCAGTTGGGAGATCTGAGAAGGTTTTGGGGGTA-3'
Protein context (NP_004542.1, residues 109-129): KSLVDLTAVD[Val119Ile]PTRQNRFEIV